The following is an entry in ClinVar:

ClinVar aggregate classification (germline): Likely benign (1 of 4 stars; one submission).

Allele frequency attached by ClinVar (database versions not stated): 1000 Genomes Project 0.01458; 1000 Genomes Project 30x 0.01468; gnomAD 0.02139; TOPMed 0.02176.
gnomAD v4.1: 3,196 of 152,170 alleles (2.1%); highest among the groups gnomAD compares: Admixed American, 2.9%; 38 homozygotes.

Submission:

GeneDx
Classification: Likely benign. Last evaluated: 2018-06-14. Review status: criteria provided, single submitter. Criteria: GeneDx Variant Classification (06012015). Collection method: clinical testing. Allele origin: germline. Affected: yes.
Comment: This variant is considered likely benign or benign based on one or more of the following criteria: it is a conservative change, it occurs at a poorly conserved position in the protein, it is predicted to be benign by multiple in silico algorithms, and/or has population frequency not consistent with disease.

NM_001386795.1(DTNA):c.2295+321C>T

Gene: DTNA (dystrobrevin alpha; plus strand). Cytogenetic location: 18q12.1.
Variant type: single nucleotide variant.
Coding change: c.2295+321C>T on transcript NM_001386795.1 (MANE Select); 321 bases into the intron after coding-DNA position 2295, C replaced by T.
Molecular consequence: intron variant.
Genome position (GRCh38, 1-based): chr18:34,882,522, C>T. VCF-style: chr18-34882522-C-T. GRCh37 (hg19) VCF-style: chr18-32462486-C-T.
Other names: c.2121+321C>T (NM_001386760.1); c.2034+321C>T (NM_001386763.1, NM_001386764.1, NM_001198940.2 and 5 more transcripts); c.2031+321C>T (NM_001386768.1, NM_001386769.1); c.2124+321C>T (NM_001386757.1, NM_001386756.1, NM_001386758.1 and 3 more transcripts); c.2055+321C>T (NM_001198939.2); c.2295+321C>T (NM_001386788.1); c.2043+321C>T (NM_032975.4, NM_001386761.1); c.2040+321C>T (NM_001386762.1); and 5 more.
Identifiers: ClinVar variation 669796 (VCV000669796.1), dbSNP rs140634474, ClinGen allele CA14585479.